The following is an entry in ClinVar:

ClinVar aggregate classification (germline): Benign. Review status: criteria provided, multiple submitters, no conflicts (2 of 4 stars). 4 submissions from 4 submitters: Benign (4). Last evaluated 2026-05-21.

Conditions:
TPI1-related disorder. Also called: TPI1-related condition.
Triosephosphate isomerase deficiency (TPID). Also called: Triose phosphate isomerase deficiency. Identifiers: Orphanet 868, MedGen C1860808, MONDO:0014221, OMIM 615512.

Allele frequency attached by ClinVar (database versions not stated): ESP Exome Variant Server 0.07778; 1000 Genomes Project 0.15455; gnomAD exomes 0.05859; gnomAD 0.09809 and 0.09540; TOPMed 0.11086; 1000 Genomes Project 30x 0.15818; ExAC 0.11071.

Submissions (4):

PreventionGenetics, part of Exact Sciences
Classification: Benign for TPI1-related condition. Last evaluated: 2026-05-21. Review status: criteria provided, single submitter. Criteria: ACMG Guidelines, 2015. Collection method: clinical testing. Allele origin: germline.
Comment: This variant is classified as benign based on ACMG/AMP sequence variant interpretation guidelines (Richards et al. 2015 PMID: 25741868, with internal and published modifications).

ARUP Laboratories, Molecular Genetics and Genomics, ARUP Laboratories
Classification: Benign for Triosephosphate isomerase deficiency. Last evaluated: 2025-07-28. Review status: criteria provided, single submitter. Criteria: ARUP Molecular Germline Variant Investigation Process 2024. Collection method: clinical testing. Allele origin: germline.

GeneDx
Classification: Benign. Last evaluated: 2018-11-12. Review status: criteria provided, single submitter. Criteria: GeneDx Variant Classification Process June 2021. Collection method: clinical testing. Allele origin: germline. Affected: yes.
Comment: This variant is associated with the following publications: (PMID: 27884173, 8571957, 10910933, 10575546)

Breakthrough Genomics
Classification: Benign. Review status: criteria provided, single submitter. Criteria: ACMG Guidelines, 2015. Collection method: not provided. Allele origin: germline. Inheritance: Autosomal recessive inheritance. Affected: yes.

NC_000012.12:g.6867524A>G

Gene: TPI1 (triosephosphate isomerase 1; plus strand). Cytogenetic location: 12p13.31.
Variant type: single nucleotide variant.
Molecular consequence: synonymous variant (on NM_001159287.1).
Genome position: GRCh38 VCF-style: chr12-6867524-A-G. GRCh37 (hg19) VCF-style: chr12-6976688-A-G.
Other names: c.69A>G, p.Arg23= (NM_001159287.1).
Identifiers: ClinVar variation 369027 (VCV000369027.24), dbSNP rs1800200, ClinGen allele CA6418755.